The following is an entry in ClinVar:

NM_000193.4(SHH):c.1196G>A (p.Gly399Glu)

Gene: SHH (sonic hedgehog signaling molecule; minus strand). Cytogenetic location: 7q36.3.
Variant type: single nucleotide variant.
Coding change: c.1196G>A on transcript NM_000193.4 (MANE Select); coding-DNA position 1196, G replaced by A.
Protein change: p.Gly399Glu; replaces glycine 399 with glutamic acid.
Molecular consequence: missense variant. On other transcripts: intron variant (1).
Genome position (GRCh38, 1-based): chr7:155,803,093, C>T on the plus strand (G>A on the coding strand, the complement: SHH is on the minus strand). VCF-style: chr7-155803093-C-T. GRCh37 (hg19) VCF-style: chr7-155595787-C-T.
Other names: c.1196G>A (NM_000193.2); c.302-2848G>A (NM_001310462.2); short protein forms G399E.
Identifiers: ClinVar variation 1401851 (VCV001401851.8), dbSNP rs1370608867, ClinGen allele CA370144683.

ClinVar aggregate classification (germline): Uncertain significance. Review status: criteria provided, multiple submitters, no conflicts (2 of 4 stars). 2 submissions from 2 submitters: Uncertain significance (2). Last evaluated 2024-10-12.

Conditions:
Inborn genetic diseases. Identifiers: MedGen C0950123, MeSH D030342.
Holoprosencephaly 3 (HPE3). Identifiers: Orphanet 2162, MedGen C1840529, MONDO:0007733, OMIM 142945.

Allele frequency attached by ClinVar (database versions not stated): gnomAD 0.00001; TOPMed 0.00001.

Submissions (2):

Ambry Genetics
Classification: Uncertain significance for Inborn genetic diseases. Last evaluated: 2024-10-12. Review status: criteria provided, single submitter. Criteria: Ambry Variant Classification Scheme 2023. Collection method: clinical testing. Allele origin: germline.

Labcorp Genetics (formerly Invitae), Labcorp
Classification: Uncertain significance for Holoprosencephaly 3. Last evaluated: 2023-06-29. Review status: criteria provided, single submitter. Criteria: Invitae Variant Classification Sherloc (09022015). Collection method: clinical testing. Allele origin: germline.
Comment: In summary, the available evidence is currently insufficient to determine the role of this variant in disease. Therefore, it has been classified as a Variant of Uncertain Significance. An algorithm developed to predict the effect of missense changes on protein structure and function (PolyPhen-2) suggests that this variant is likely to be disruptive. ClinVar contains an entry for this variant (Variation ID: 1401851). This variant has not been reported in the literature in individuals affected with SHH-related conditions. This variant is not present in population databases (gnomAD no frequency). This sequence change replaces glycine, which is neutral and non-polar, with glutamic acid, which is acidic and polar, at codon 399 of the SHH protein (p.Gly399Glu).